The following is an entry in ClinVar:

ClinVar aggregate classification (germline): Uncertain significance (1 of 4 stars; one submission).

gnomAD v4.1: 8 of 1,611,130 alleles (0.0005%); highest among the groups gnomAD compares: African/African-American, 0.0027%; no homozygotes.

Submission:

Labcorp Genetics (formerly Invitae), Labcorp
Classification: Uncertain significance. Last evaluated: 2025-05-11. Review status: criteria provided, single submitter. Criteria: Invitae Variant Classification Sherloc (09022015). Collection method: clinical testing. Allele origin: germline.
Comment: This sequence change replaces glutamine, which is neutral and polar, with glutamic acid, which is acidic and polar, at codon 1219 of the KMT2B protein (p.Gln1219Glu). This variant is not present in population databases (gnomAD no frequency). This variant has not been reported in the literature in individuals affected with KMT2B-related conditions. Invitae Evidence Modeling of protein sequence and biophysical properties (such as structural, functional, and spatial information, amino acid conservation, physicochemical variation, residue mobility, and thermodynamic stability) indicates that this missense variant is expected to disrupt KMT2B protein function with a positive predictive value of 95%. In summary, the available evidence is currently insufficient to determine the role of this variant in disease. Therefore, it has been classified as a Variant of Uncertain Significance.

NM_014727.3(KMT2B):c.3655C>G (p.Gln1219Glu)

Gene: KMT2B (lysine methyltransferase 2B; plus strand). Cytogenetic location: 19q13.12.
Variant type: single nucleotide variant.
Coding change: c.3655C>G on transcript NM_014727.3 (MANE Select); coding-DNA position 3655, C replaced by G.
Protein change: p.Gln1219Glu; replaces glutamine 1219 with glutamic acid.
Molecular consequence: missense variant.
Genome position (GRCh38, 1-based): chr19:35,725,491, C>G. VCF-style: chr19-35725491-C-G. GRCh37 (hg19) VCF-style: chr19-36216392-C-G.
Other names: short protein forms Q1219E.
Identifiers: ClinVar variation 4769691 (VCV004769691.1).